The following is an entry in ClinVar:

ClinVar aggregate classification (germline): Uncertain significance. Review status: criteria provided, multiple submitters, no conflicts (2 of 4 stars). 2 submissions from 2 submitters: Uncertain significance (2). Last evaluated 2025-10-02.

Conditions:
Inborn genetic diseases. Identifiers: MedGen C0950123, MeSH D030342.
Bethlem myopathy 1A. Also called: Bethlem myopathy 1; MYOPATHY, BENIGN CONGENITAL, WITH CONTRACTURES; Bethlem Muscular Dystrophy. Identifiers: Orphanet 610, MedGen CN029274, MONDO:0024530, OMIM 158810.

Allele frequency attached by ClinVar (database versions not stated): gnomAD 0.00001; gnomAD exomes 0.00001; TOPMed 0.00001.
gnomAD v4.1: 16 of 1,614,116 alleles (0.00099%); highest among the groups gnomAD compares: Non-Finnish European, 0.0014%; no homozygotes.

Submissions (2):

Labcorp Genetics (formerly Invitae), Labcorp
Classification: Uncertain significance for Bethlem myopathy 1A. Last evaluated: 2025-10-02. Review status: criteria provided, single submitter. Criteria: Invitae Variant Classification Sherloc (09022015). Collection method: clinical testing. Allele origin: germline.
Comment: This sequence change replaces serine, which is neutral and polar, with isoleucine, which is neutral and non-polar, at codon 966 of the COL6A3 protein (p.Ser966Ile). This variant is present in population databases (no rsID available, gnomAD 0.0009%). This variant has not been reported in the literature in individuals affected with COL6A3-related conditions. ClinVar contains an entry for this variant (Variation ID: 1907736). Invitae Evidence Modeling of protein sequence and biophysical properties (such as structural, functional, and spatial information, amino acid conservation, physicochemical variation, residue mobility, and thermodynamic stability) indicates that this missense variant is not expected to disrupt COL6A3 protein function with a negative predictive value of 80%. In summary, the available evidence is currently insufficient to determine the role of this variant in disease. Therefore, it has been classified as a Variant of Uncertain Significance.

Ambry Genetics
Classification: Uncertain significance for Inborn genetic diseases. Last evaluated: 2024-08-01. Review status: criteria provided, single submitter. Criteria: Ambry Variant Classification Scheme 2023. Collection method: clinical testing. Allele origin: germline.

NM_004369.4(COL6A3):c.2897G>T (p.Ser966Ile)

Gene: COL6A3 (collagen type VI alpha 3 chain; minus strand). Cytogenetic location: 2q37.3.
Variant type: single nucleotide variant.
Coding change: c.2897G>T on transcript NM_004369.4 (MANE Select); coding-DNA position 2897, G replaced by T.
Protein change: p.Ser966Ile; replaces serine 966 with isoleucine.
Molecular consequence: missense variant.
Genome position (GRCh38, 1-based): chr2:237,376,945, C>A on the plus strand (G>T on the coding strand, the complement: COL6A3 is on the minus strand). VCF-style: chr2-237376945-C-A. GRCh37 (hg19) VCF-style: chr2-238285588-C-A.
Other names: c.1676G>T, p.Ser559Ile (NM_057164.5); c.2279G>T, p.Ser760Ile (NM_057165.5, NM_057167.4); c.1076G>T, p.Ser359Ile (NM_057166.5); short protein forms S760I, S359I, S559I, S966I.
Identifiers: ClinVar variation 1907736 (VCV001907736.6), dbSNP rs1266551136, ClinGen allele CA351209052.